The following is an entry in ClinVar:

NM_001291415.2(KDM6A):c.203G>C (p.Arg68Thr)

Gene: KDM6A (lysine demethylase 6A; plus strand). Cytogenetic location: Xp11.3.
Variant type: single nucleotide variant.
Coding change: c.203G>C on transcript NM_001291415.2 (MANE Select); coding-DNA position 203, G replaced by C.
Protein change: p.Arg68Thr; replaces arginine 68 with threonine.
Molecular consequence: missense variant. On other transcripts: 5 prime UTR variant (1), non-coding transcript variant (1).
Genome position (GRCh38, 1-based): chrX:44,873,965, G>C. VCF-style: chrX-44873965-G-C. GRCh37 (hg19) VCF-style: chrX-44733211-G-C.
Other names: c.203G>C, p.Arg68Thr (NM_001291416.2, NM_001291417.2, NM_001291418.2 and 1 more transcripts); c.-430G>C (NM_001291421.2); short protein forms R68T.
Identifiers: ClinVar variation 1309770 (VCV001309770.10), dbSNP rs751146386, ClinGen allele CA10392125.

ClinVar aggregate classification (germline): Conflicting classifications of pathogenicity. Review status: criteria provided, conflicting classifications (1 of 4 stars). 2 submissions from 2 submitters: Uncertain significance (1); Likely benign (1). Last evaluated 2023-08-30.

Conditions:
Kabuki syndrome 2 (KABUK2). Also called: KDM6A-Related Kabuki Syndrome. Identifiers: Orphanet 2322, MedGen C3275495, MONDO:0010465, OMIM 300867.

Allele frequency attached by ClinVar (database versions not stated): gnomAD exomes below 0.00001 and 0.00001; ExAC 0.00001; gnomAD 0.00002; TOPMed 0.00005.
gnomAD v4.1: 3 of 1,210,110 alleles (0.00025%); highest among the groups gnomAD compares: Admixed American, 0.0065%; no homozygotes.

Submissions (2):

Labcorp Genetics (formerly Invitae), Labcorp
Classification: Likely benign for Kabuki syndrome 2. Last evaluated: 2023-08-30. Review status: criteria provided, single submitter. Criteria: Invitae Variant Classification Sherloc (09022015). Collection method: clinical testing. Allele origin: germline.

GeneDx
Classification: Uncertain significance. Last evaluated: 2022-03-10. Review status: criteria provided, single submitter. Criteria: GeneDx Variant Classification Process June 2021. Collection method: clinical testing. Allele origin: germline. Affected: yes.
Comment: In silico analysis, which includes protein predictors and evolutionary conservation, supports a deleterious effect; Has not been previously published as pathogenic or benign to our knowledge